The following is an entry in ClinVar:

ClinVar aggregate classification (germline): Uncertain significance (1 of 4 stars; one submission).

Submission:

GeneDx
Classification: Uncertain significance. Last evaluated: 2026-02-11. Review status: criteria provided, single submitter. Criteria: GeneDx Variant Classification Process June 2021. Collection method: clinical testing. Allele origin: germline.
Comment: Not observed at significant frequency in large population cohorts (gnomAD); In silico analysis suggests that this missense variant does not alter protein structure/function; Has not been previously published as pathogenic or benign to our knowledge

NM_012208.4(HARS2):c.1205G>A (p.Gly402Asp)

Gene: HARS2 (histidyl-tRNA synthetase 2, mitochondrial; plus strand). Cytogenetic location: 5q31.3.
Variant type: single nucleotide variant.
Coding change: c.1205G>A on transcript NM_012208.4 (MANE Select); coding-DNA position 1205, G replaced by A.
Protein change: p.Gly402Asp; replaces glycine 402 with aspartic acid.
Molecular consequence: missense variant.
Genome position (GRCh38, 1-based): chr5:140,697,576, G>A. VCF-style: chr5-140697576-G-A. GRCh37 (hg19) VCF-style: chr5-140077161-G-A.
Other names: c.1130G>A, p.Gly377Asp (NM_001278731.2); c.773G>A, p.Gly258Asp (NM_001278732.2); c.1223G>A, p.Gly408Asp (NM_001363535.2); c.995G>A, p.Gly332Asp (NM_001363536.2); short protein forms G258D, G332D, G377D, G402D, G408D.
Identifiers: ClinVar variation 4976268 (VCV004976268.1).